The following is an entry in ClinVar:

NM_001378454.1(ALMS1):c.10421G>A (p.Arg3474His)

Gene: ALMS1 (ALMS1 centrosome and basal body associated protein; plus strand). Cytogenetic location: 2p13.1.
Variant type: single nucleotide variant.
Coding change: c.10421G>A on transcript NM_001378454.1 (MANE Select); coding-DNA position 10421, G replaced by A.
Protein change: p.Arg3474His; replaces arginine 3474 with histidine.
Molecular consequence: missense variant.
Genome position (GRCh38, 1-based): chr2:73,572,298, G>A. VCF-style: chr2-73572298-G-A. GRCh37 (hg19) VCF-style: chr2-73799425-G-A.
Other names: c.10424G>A, p.Arg3475His (NM_015120.4); short protein forms R3474H, R3475H.
Identifiers: ClinVar variation 1774421 (VCV001774421.8), dbSNP rs757108070, ClinGen allele CA1715001.

ClinVar aggregate classification (germline): Conflicting classifications of pathogenicity. Review status: criteria provided, conflicting classifications (1 of 4 stars). 5 submissions from 5 submitters: Uncertain significance (3); Likely benign (2). Last evaluated 2026-01-12.

Conditions:
Cardiovascular phenotype. Identifiers: MedGen CN230736.
Alstrom syndrome (ALMS). Identifiers: Orphanet 64, MedGen C0268425, MONDO:0008763, OMIM 203800.

Allele frequency attached by ClinVar (database versions not stated): ExAC 0.00001; gnomAD 0.00003; TOPMed 0.00005.
gnomAD v4.1: 13 of 1,607,542 alleles (0.00081%); highest among the groups gnomAD compares: East Asian, 0.013%; no homozygotes.

Submissions (5):

Labcorp Genetics (formerly Invitae), Labcorp
Classification: Uncertain significance for Alstrom syndrome. Last evaluated: 2026-01-12. Review status: criteria provided, single submitter. Criteria: Invitae Variant Classification Sherloc (09022015). Collection method: clinical testing. Allele origin: germline.
Comment: This sequence change replaces arginine, which is basic and polar, with histidine, which is basic and polar, at codon 3475 of the ALMS1 protein (p.Arg3475His). This variant is present in population databases (rs757108070, gnomAD 0.01%). This variant has not been reported in the literature in individuals affected with ALMS1-related conditions. ClinVar contains an entry for this variant (Variation ID: 1774421). An algorithm developed to predict the effect of missense changes on protein structure and function outputs the following: PolyPhen-2: "Not Available". The histidine amino acid residue is found in multiple mammalian species, which suggests that this missense change does not adversely affect protein function. In summary, the available evidence is currently insufficient to determine the role of this variant in disease. Therefore, it has been classified as a Variant of Uncertain Significance.

Blueprint Genetics
Classification: Likely benign. Last evaluated: 2024-10-10. Review status: criteria provided, single submitter. Criteria: ACMG Guidelines, 2015. Collection method: clinical testing. Allele origin: germline.

GeneDx
Classification: Uncertain significance. Last evaluated: 2023-05-24. Review status: criteria provided, single submitter. Criteria: GeneDx Variant Classification Process June 2021. Collection method: clinical testing. Allele origin: germline. Affected: yes.
Comment: Has not been previously published as pathogenic or benign to our knowledge; In silico analysis supports that this missense variant does not alter protein structure/function

Ambry Genetics
Classification: Likely benign for Cardiovascular phenotype. Last evaluated: 2021-06-09. Review status: criteria provided, single submitter. Criteria: Ambry Variant Classification Scheme 2023. Collection method: clinical testing. Allele origin: germline.

Center for Genomics, Ann and Robert H. Lurie Children's Hospital of Chicago
Classification: Uncertain significance for Alstrom syndrome. Last evaluated: 2021-03-30. Review status: criteria provided, single submitter. Criteria: ACMG Guidelines, 2015. Collection method: clinical testing. Allele origin: germline.
Comment: ALMS1 NM_015120.4 exon 16 p.Arg3475His (c.10424G>A): This variant has not been reported in the literature and is present in 0.01% (3/23910) of African alleles in the Genome Aggregation Database. This variant amino acid Histidine (His) is present in the majority of species, including many mammals, and is not well conserved among evolutionarily distant species; this suggests that this variant may not impact the protein. Additional computational prediction tools do not suggest an impact. In summary, data on this variant is insufficient for disease classification. Therefore, the clinical significance of this variant is uncertain.